The following is an entry in ClinVar:

NM_000188.3(HK1):c.2704G>A (p.Ala902Thr)

Gene: HK1 (hexokinase 1; plus strand). Cytogenetic location: 10q22.1.
Variant type: single nucleotide variant.
Coding change: c.2704G>A on transcript NM_000188.3 (MANE Select); coding-DNA position 2704, G replaced by A.
Protein change: p.Ala902Thr; replaces alanine 902 with threonine.
Molecular consequence: missense variant.
Genome position (GRCh38, 1-based): chr10:69,401,085, G>A. VCF-style: chr10-69401085-G-A. GRCh37 (hg19) VCF-style: chr10-71160841-G-A.
Other names: c.2716G>A, p.Ala906Thr (NM_033498.3, NM_001322364.2, NM_001358263.1 and 1 more transcripts); c.2668G>A, p.Ala890Thr (NM_033500.2); c.2809G>A, p.Ala937Thr (NM_001322365.2); c.2620G>A, p.Ala874Thr (NM_001322366.1); c.2608G>A, p.Ala870Thr (NM_001322367.1); c.2701G>A, p.Ala901Thr (NM_033496.3); short protein forms A870T, A874T, A890T, A901T, A902T, A937T, A906T.
Identifiers: ClinVar variation 865767 (VCV000865767.7), dbSNP rs1424032201, ClinGen allele CA376918205.

ClinVar aggregate classification (germline): Uncertain significance. Review status: criteria provided, multiple submitters, no conflicts (2 of 4 stars). 4 submissions from 4 submitters: Uncertain significance (4). Last evaluated 2025-09-01.

Conditions:
Inborn genetic diseases. Identifiers: MedGen C0950123, MeSH D030342.
HK1-related disorder. Also called: HK1-related condition; HK1-related disorders.

Allele frequency attached by ClinVar (database versions not stated): TOPMed below 0.00001; gnomAD 0.00002; gnomAD exomes 0.00002.
gnomAD v4.1: 27 of 1,614,002 alleles (0.0017%); highest among the groups gnomAD compares: Non-Finnish European, 0.002%; no homozygotes.

Submissions (4):

Labcorp Genetics (formerly Invitae), Labcorp
Classification: Uncertain significance. Last evaluated: 2025-09-01. Review status: criteria provided, single submitter. Criteria: Invitae Variant Classification Sherloc (09022015). Collection method: clinical testing. Allele origin: germline.
Comment: This sequence change replaces alanine, which is neutral and non-polar, with threonine, which is neutral and polar, at codon 902 of the HK1 protein (p.Ala902Thr). This variant is present in population databases (no rsID available, gnomAD 0.003%). This variant has not been reported in the literature in individuals affected with HK1-related conditions. ClinVar contains an entry for this variant (Variation ID: 865767). Invitae Evidence Modeling of protein sequence and biophysical properties (such as structural, functional, and spatial information, amino acid conservation, physicochemical variation, residue mobility, and thermodynamic stability) indicates that this missense variant is not expected to disrupt HK1 protein function with a negative predictive value of 80%. In summary, the available evidence is currently insufficient to determine the role of this variant in disease. Therefore, it has been classified as a Variant of Uncertain Significance.

PreventionGenetics, part of Exact Sciences
Classification: Uncertain significance for HK1-related condition. Last evaluated: 2024-11-12. Review status: criteria provided, single submitter. Criteria: ACMG Guidelines, 2015. Collection method: clinical testing. Allele origin: germline.
Comment: The HK1 c.2704G>A variant is predicted to result in the amino acid substitution p.Ala902Thr. To our knowledge, this variant has not been reported in the literature. This variant is reported in 0.0029% of alleles in individuals of Latino descent in gnomAD. At this time, the clinical significance of this variant is uncertain due to the absence of conclusive functional and genetic evidence.

Ambry Genetics
Classification: Uncertain significance for Inborn genetic diseases. Last evaluated: 2022-05-13. Review status: criteria provided, single submitter. Criteria: Ambry Variant Classification Scheme 2023. Collection method: clinical testing. Allele origin: germline.

Blueprint Genetics
Classification: Uncertain significance. Last evaluated: 2022-02-24. Review status: criteria provided, single submitter. Criteria: ACMG Guidelines, 2015. Collection method: clinical testing. Allele origin: germline.